The following is an entry in ClinVar:

ClinVar aggregate classification (germline): Uncertain significance (1 of 4 stars; one submission).

Conditions:
Primary ciliary dyskinesia. Also called: Ciliary dyskinesia. Identifiers: Orphanet 244, MedGen C0008780, MONDO:0016575, HP:0012265.

Allele frequency attached by ClinVar (database versions not stated): gnomAD 0.00001.
gnomAD v4.1: 1 of 1,210,441 alleles (0.000083%); highest among the groups gnomAD compares: Admixed American, 0.0022%; no homozygotes.

Submission:

Labcorp Genetics (formerly Invitae), Labcorp
Classification: Uncertain significance for Primary ciliary dyskinesia. Last evaluated: 2022-08-09. Review status: criteria provided, single submitter. Criteria: Invitae Variant Classification Sherloc (09022015). Collection method: clinical testing. Allele origin: germline.
Comment: In summary, the available evidence is currently insufficient to determine the role of this variant in disease. Therefore, it has been classified as a Variant of Uncertain Significance. Algorithms developed to predict the effect of missense changes on protein structure and function (SIFT, PolyPhen-2, Align-GVGD) all suggest that this variant is likely to be tolerated. This variant has not been reported in the literature in individuals affected with RPGR-related conditions. This sequence change replaces histidine, which is basic and polar, with arginine, which is basic and polar, at codon 131 of the RPGR protein (p.His131Arg). This variant is not present in population databases (gnomAD no frequency).

NM_001034853.2(RPGR):c.392A>G (p.His131Arg)

Gene: RPGR (retinitis pigmentosa GTPase regulator; minus strand). Cytogenetic location: Xp11.4.
Variant type: single nucleotide variant.
Coding change: c.392A>G on transcript NM_001034853.2 (MANE Select); coding-DNA position 392, A replaced by G.
Protein change: p.His131Arg; replaces histidine 131 with arginine.
Molecular consequence: missense variant. On other transcripts: non-coding transcript variant (6).
Genome position (GRCh38, 1-based): chrX:38,318,906, T>C on the plus strand (A>G on the coding strand, the complement: RPGR is on the minus strand). VCF-style: chrX-38318906-T-C. GRCh37 (hg19) VCF-style: chrX-38178159-T-C.
Other names: c.392A>G, p.His131Arg (NM_000328.3, NM_001367245.1, NM_001367246.1 and 3 more transcripts); c.422A>G, p.His141Arg (NM_001367248.1); c.389A>G, p.His130Arg (NM_001367249.1); short protein forms H141R, H130R, H131R.
Identifiers: ClinVar variation 2020639 (VCV002020639.4), dbSNP rs2067876912, ClinGen allele CA412745155.